The following is an entry in ClinVar:

NM_001376.5(DYNC1H1):c.4884-280C>T

Gene: DYNC1H1 (dynein cytoplasmic 1 heavy chain 1; plus strand). Cytogenetic location: 14q32.31.
Variant type: single nucleotide variant.
Coding change: c.4884-280C>T on transcript NM_001376.5 (MANE Select); 280 bases into the intron before coding-DNA position 4884, C replaced by T.
Molecular consequence: intron variant.
Genome position (GRCh38, 1-based): chr14:102,004,238, C>T. VCF-style: chr14-102004238-C-T. GRCh37 (hg19) VCF-style: chr14-102470575-C-T.
Identifiers: ClinVar variation 668899 (VCV000668899.1), dbSNP rs12883138, ClinGen allele CA14037202.

ClinVar aggregate classification (germline): Benign (1 of 4 stars; one submission).

Allele frequency attached by ClinVar (database versions not stated): gnomAD 0.18922 and 0.18945; TOPMed 0.19706; 1000 Genomes Project 0.23822; 1000 Genomes Project 30x 0.24016.
gnomAD v4.1: 28,383 of 150,468 alleles (19%); highest among the groups gnomAD compares: African/African-American, 35%; 3,417 homozygotes.

Submission:

GeneDx
Classification: Benign. Last evaluated: 2018-06-18. Review status: criteria provided, single submitter. Criteria: GeneDx Variant Classification (06012015). Collection method: clinical testing. Allele origin: germline. Affected: yes.
Comment: This variant is considered likely benign or benign based on one or more of the following criteria: it is a conservative change, it occurs at a poorly conserved position in the protein, it is predicted to be benign by multiple in silico algorithms, and/or has population frequency not consistent with disease.